The following is an entry in ClinVar:

NM_172364.5(CACNA2D4):c.487-3C>T

Gene: CACNA2D4 (calcium voltage-gated channel auxiliary subunit alpha2delta 4; minus strand). Cytogenetic location: 12p13.33.
Variant type: single nucleotide variant.
Coding change: c.487-3C>T on transcript NM_172364.5 (MANE Select); 3 bases into the intron before coding-DNA position 487, C replaced by T.
Molecular consequence: intron variant.
Genome position (GRCh38, 1-based): chr12:1,908,040, G>A on the plus strand (C>T on the coding strand, the complement: CACNA2D4 is on the minus strand). VCF-style: chr12-1908040-G-A. GRCh37 (hg19) VCF-style: chr12-2017206-G-A.
Identifiers: ClinVar variation 1380632 (VCV001380632.6), dbSNP rs767022078, ClinGen allele CA2012211501.

ClinVar aggregate classification (germline): Uncertain significance (1 of 4 stars; one submission).

Allele frequency attached by ClinVar (database versions not stated): TOPMed below 0.00001.

Submission:

Labcorp Genetics (formerly Invitae), Labcorp
Classification: Uncertain significance. Last evaluated: 2022-03-10. Review status: criteria provided, single submitter. Criteria: Invitae Variant Classification Sherloc (09022015). Collection method: clinical testing. Allele origin: germline.
Comment: This variant has not been reported in the literature in individuals affected with CACNA2D4-related conditions. This variant is not present in population databases (gnomAD no frequency). This sequence change falls in intron 4 of the CACNA2D4 gene. It does not directly change the encoded amino acid sequence of the CACNA2D4 protein. It affects a nucleotide within the consensus splice site. Variants that disrupt the consensus splice site are a relatively common cause of aberrant splicing (PMID: 17576681, 9536098). Algorithms developed to predict the effect of sequence changes on RNA splicing suggest that this variant is not likely to affect RNA splicing. In summary, the available evidence is currently insufficient to determine the role of this variant in disease. Therefore, it has been classified as a Variant of Uncertain Significance.

Literature cited by the submitters: PubMed 17576681; PubMed 9536098.